The following is an entry in ClinVar:

NM_001184900.3(CARD8):c.1585G>A (p.Val529Met)

Gene: CARD8 (caspase recruitment domain family member 8; minus strand). Cytogenetic location: 19q13.33.
Variant type: single nucleotide variant.
Coding change: c.1585G>A on transcript NM_001184900.3 (MANE Select); coding-DNA position 1585, G replaced by A.
Protein change: p.Val529Met; replaces valine 529 with methionine.
Molecular consequence: missense variant. On other transcripts: 3 prime UTR variant (7), non-coding transcript variant (3), intron variant (1).
Genome position (GRCh38, 1-based): chr19:48,211,739, C>T on the plus strand (G>A on the coding strand, the complement: CARD8 is on the minus strand). VCF-style: chr19-48211739-C-T. GRCh37 (hg19) VCF-style: chr19-48714996-C-T.
Other names: c.1585G>A (NM_001184900.1); c.1435G>A, p.Val479Met (NM_001184901.1, NM_001351783.2, NM_014959.5); c.*264G>A (NM_001184902.2, NM_001184903.1, NM_001351788.2 and 4 more transcripts); c.1585G>A, p.Val529Met (NM_001351782.2); c.1270G>A, p.Val424Met (NM_001351784.2); c.1249G>A, p.Val417Met (NM_001351786.2); c.1267G>A, p.Val423Met (NM_001365950.1); c.1033+3601G>A (NM_001351787.2); short protein forms V479M, V417M, V529M, V423M, V424M.
Identifiers: ClinVar variation 1515222 (VCV001515222.9), dbSNP rs146880951, ClinGen allele CA9547657.

ClinVar aggregate classification (germline): Uncertain significance. Review status: criteria provided, multiple submitters, no conflicts (2 of 4 stars). 2 submissions from 2 submitters: Uncertain significance (2). Last evaluated 2026-01-20.

Allele frequency attached by ClinVar (database versions not stated): ExAC 0.00002; gnomAD exomes 0.00002; gnomAD 0.00003; TOPMed 0.00005; ESP Exome Variant Server 0.00008.

Submissions (2):

Labcorp Genetics (formerly Invitae), Labcorp
Classification: Uncertain significance. Last evaluated: 2026-01-20. Review status: criteria provided, single submitter. Criteria: Invitae Variant Classification Sherloc (09022015). Collection method: clinical testing. Allele origin: germline.
Comment: This sequence change replaces valine, which is neutral and non-polar, with methionine, which is neutral and non-polar, at codon 479 of the CARD8 protein (p.Val479Met). This variant is present in population databases (rs146880951, gnomAD 0.003%). This variant has not been reported in the literature in individuals affected with CARD8-related conditions. ClinVar contains an entry for this variant (Variation ID: 1515222). An algorithm developed to predict the effect of missense changes on protein structure and function outputs the following: PolyPhen-2: "Benign". The methionine amino acid residue is found in multiple mammalian species, which suggests that this missense change does not adversely affect protein function. In summary, the available evidence is currently insufficient to determine the role of this variant in disease. Therefore, it has been classified as a Variant of Uncertain Significance.

Ambry Genetics
Classification: Uncertain significance. Last evaluated: 2025-08-12. Review status: criteria provided, single submitter. Criteria: Ambry Variant Classification Scheme 2023. Collection method: clinical testing. Allele origin: germline.